The following is an entry in ClinVar:

ClinVar aggregate classification (germline): Uncertain significance. Review status: criteria provided, multiple submitters, no conflicts (2 of 4 stars). 2 submissions from 2 submitters: Uncertain significance (2). Last evaluated 2024-06-13.

Submissions (2):

Labcorp Genetics (formerly Invitae), Labcorp
Classification: Uncertain significance. Last evaluated: 2024-06-13. Review status: criteria provided, single submitter. Criteria: Invitae Variant Classification Sherloc (09022015). Collection method: clinical testing. Allele origin: germline.
Comment: This variant, c.965_967del, results in the deletion of 1 amino acid(s) of the CYP4V2 protein (p.Glu322del), but otherwise preserves the integrity of the reading frame. This variant is present in population databases (rs765317114, gnomAD 0.003%). This variant has been observed in individual(s) with Bietti crystalline dystrophy (PMID: 26971461). It has also been observed to segregate with disease in related individuals. Experimental studies and prediction algorithms are not available or were not evaluated, and the functional significance of this variant is currently unknown. In summary, the available evidence is currently insufficient to determine the role of this variant in disease. Therefore, it has been classified as a Variant of Uncertain Significance.

Blueprint Genetics
Classification: Uncertain significance. Last evaluated: 2023-12-29. Review status: criteria provided, single submitter. Criteria: ACMG Guidelines, 2015. Collection method: clinical testing. Allele origin: germline.

Literature cited by the submitters: PubMed 26971461 (cited by Labcorp Genetics (formerly Invitae), Labcorp).

NM_207352.4(CYP4V2):c.962AAG[1] (p.Glu322del)

Gene: CYP4V2 (cytochrome P450 family 4 subfamily V member 2; plus strand). Cytogenetic location: 4q35.2.
Variant type: Microsatellite.
Coding change: c.962AAG[1] on transcript NM_207352.4 (MANE Select); one copy of the 3-base unit AAG starting at c.962; the reference has two copies in a row; one copy, 3 bases deleted.
Protein change: p.Glu322del; deletes glutamic acid 322.
Molecular consequence: inframe deletion.
Genome position (GRCh38, 1-based): chr4:186,201,320-186,201,322, AAG deleted; deleting any 3 consecutive bases within chr4:186,201,315-186,201,322 gives the same sequence; the position shown is the placement nearest the transcript's 3' end. VCF-style (leftmost placement, unchanged base first): chr4-186201314-GAGA-G. GRCh37 (hg19) VCF-style: chr4-187122468-GAGA-G.
Other names: short protein forms E322del.
Identifiers: ClinVar variation 1047687 (VCV001047687.7), dbSNP rs765317114, ClinGen allele CA3162695.
Genomic context (GRCh38, chr4:186,201,314, plus strand): 5'-TTGACTTGCTTTTAAGTGTGACTGATGACGAAGGGAACAGGCTAAGTCATGAAGATATTC[GAGA>G]AGAAGTTGACACCTTCATGTTTGAGGTATTGTATATTGTTAGGTTCAGATATCATTAAAC-3'